The following is an entry in ClinVar:

NM_000264.5(PTCH1):c.4177C>A (p.Pro1393Thr)

Gene: PTCH1 (patched 1; minus strand). Cytogenetic location: 9q22.32.
Variant type: single nucleotide variant.
Coding change: c.4177C>A on transcript NM_000264.5 (MANE Select); coding-DNA position 4177, C replaced by A.
Protein change: p.Pro1393Thr; replaces proline 1393 with threonine.
Molecular consequence: missense variant. On other transcripts: non-coding transcript variant (1).
Genome position (GRCh38, 1-based): chr9:95,447,079, G>T on the plus strand (C>A on the coding strand, the complement: PTCH1 is on the minus strand). VCF-style: chr9-95447079-G-T. GRCh37 (hg19) VCF-style: chr9-98209361-G-T.
Other names: c.4177C>A (NM_000264.3); c.3979C>A, p.Pro1327Thr (NM_001083602.3); c.4174C>A, p.Pro1392Thr (NM_001083603.3); c.3724C>A, p.Pro1242Thr (NM_001083604.3, NM_001083605.3, NM_001083606.3 and 1 more transcripts); c.4021C>A, p.Pro1341Thr (NM_001354918.2); short protein forms P1242T, P1327T, P1341T, P1392T, P1393T.
Identifiers: ClinVar variation 1004711 (VCV001004711.10), dbSNP rs1388774785, ClinGen allele CA374110176.

ClinVar aggregate classification (germline): Uncertain significance. Review status: criteria provided, multiple submitters, no conflicts (2 of 4 stars). 2 submissions from 2 submitters: Uncertain significance (2). Last evaluated 2024-12-17.

Conditions:
Hereditary cancer-predisposing syndrome. Also called: Hereditary neoplastic syndrome; Neoplastic Syndromes, Hereditary; Tumor predisposition; Hereditary Cancer Syndrome. Identifiers: Orphanet 140162, MedGen C0027672, MeSH D009386, MONDO:0015356.
Gorlin syndrome. Also called: Nevoid Basal Cell Carcinoma Syndrome; Basal cell nevus syndrome. Identifiers: Orphanet 377, MedGen C0004779, MONDO:0007187.

Submissions (2):

Labcorp Genetics (formerly Invitae), Labcorp
Classification: Uncertain significance for Gorlin syndrome. Last evaluated: 2024-12-17. Review status: criteria provided, single submitter. Criteria: Invitae Variant Classification Sherloc (09022015). Collection method: clinical testing. Allele origin: germline.
Comment: This sequence change replaces proline, which is neutral and non-polar, with threonine, which is neutral and polar, at codon 1393 of the PTCH1 protein (p.Pro1393Thr). This variant is not present in population databases (gnomAD no frequency). This variant has not been reported in the literature in individuals affected with PTCH1-related conditions. ClinVar contains an entry for this variant (Variation ID: 1004711). Invitae Evidence Modeling of protein sequence and biophysical properties (such as structural, functional, and spatial information, amino acid conservation, physicochemical variation, residue mobility, and thermodynamic stability) indicates that this missense variant is not expected to disrupt PTCH1 protein function with a negative predictive value of 95%. In summary, the available evidence is currently insufficient to determine the role of this variant in disease. Therefore, it has been classified as a Variant of Uncertain Significance.

Ambry Genetics
Classification: Uncertain significance for Hereditary cancer-predisposing syndrome. Last evaluated: 2024-01-31. Review status: criteria provided, single submitter. Criteria: Ambry Variant Classification Scheme 2023. Collection method: clinical testing. Allele origin: germline.
Comment: The p.P1393T variant (also known as c.4177C>A), located in coding exon 23 of the PTCH1 gene, results from a C to A substitution at nucleotide position 4177. The proline at codon 1393 is replaced by threonine, an amino acid with highly similar properties. This amino acid position is conserved. In addition, this alteration is predicted to be tolerated by in silico analysis. Based on the available evidence, the clinical significance of this alteration remains unclear.